The following is an entry in ClinVar:

NM_003719.5(PDE8B):c.2263G>A (p.Asp755Asn)

Gene: PDE8B (phosphodiesterase 8B; plus strand). Cytogenetic location: 5q13.3.
Variant type: single nucleotide variant.
Coding change: c.2263G>A on transcript NM_003719.5 (MANE Select); coding-DNA position 2263, G replaced by A.
Protein change: p.Asp755Asn; replaces aspartic acid 755 with asparagine.
Molecular consequence: missense variant.
Genome position (GRCh38, 1-based): chr5:77,421,833, G>A. VCF-style: chr5-77421833-G-A. GRCh37 (hg19) VCF-style: chr5-76717658-G-A.
Other names: c.1972G>A, p.Asp658Asn (NM_001029851.4); c.2098G>A, p.Asp700Asn (NM_001029852.4); c.2203G>A, p.Asp735Asn (NM_001029853.4); c.2122G>A, p.Asp708Asn (NM_001029854.4); c.2260G>A, p.Asp754Asn (NM_001349748.3, NM_001349751.3); c.2326G>A, p.Asp776Asn (NM_001349749.3); c.2023G>A, p.Asp675Asn (NM_001349750.3); c.1957G>A, p.Asp653Asn (NM_001349752.3); and 12 more; short protein forms D755N, D653N, D658N, D675N, D631N, D700N, D708N, D735N.
Identifiers: ClinVar variation 354171 (VCV000354171.40), dbSNP rs116027371, ClinGen allele CA3315473.
Genomic context (GRCh38, chr5:77,421,833, plus strand): 5'-CTTCACCGTCATCTTGAACCAAGCCTGATCTGACCATCTGTTTTCCAGATTGAAGGCAGC[G>A]ACTGTGAATGCAACCCTGCTGGGAAGAACTTCCCTGAAAACCAAATCCTGATCAAACGCA-3'
Protein context (NP_003710.1, residues 745-765): KPMAAEIEGS[Asp755Asn]CECNPAGKNF

ClinVar aggregate classification (germline): Benign/Likely benign. Review status: criteria provided, multiple submitters, no conflicts (2 of 4 stars). 4 submissions from 4 submitters: Benign (3); Likely benign (1). Last evaluated 2026-01-26.

Conditions:
Autosomal dominant striatal neurodegeneration type 1. Identifiers: Orphanet 228169, MedGen C4310808, MONDO:0012205, OMIM 609161.

Allele frequency attached by ClinVar (database versions not stated): gnomAD 0.00034 and 0.00052; TOPMed 0.00049; ExAC 0.00070; gnomAD exomes 0.00076; 1000 Genomes Project 30x 0.00219; 1000 Genomes Project 0.00240.
gnomAD v4.1: 571 of 1,614,062 alleles (0.035%); highest among the groups gnomAD compares: East Asian, 0.7%; 9 homozygotes.

Submissions (4):

Labcorp Genetics (formerly Invitae), Labcorp
Classification: Benign. Last evaluated: 2026-01-26. Review status: criteria provided, single submitter. Criteria: Invitae Variant Classification Sherloc (09022015). Collection method: clinical testing. Allele origin: germline.

Blueprint Genetics
Classification: Likely benign. Last evaluated: 2024-10-14. Review status: criteria provided, single submitter. Criteria: ACMG Guidelines, 2015. Collection method: clinical testing. Allele origin: germline.

CeGaT Center for Human Genetics Tuebingen
Classification: Benign. Last evaluated: 2022-08-01. Review status: criteria provided, single submitter. Criteria: CeGaT Center For Human Genetics Tuebingen Variant Classification Criteria Version 2. Collection method: clinical testing. Allele origin: germline. Affected: yes. Observed: 1 variant allele.
Comment: PDE8B: BP4, BS1, BS2

Illumina Laboratory Services, Illumina
Classification: Benign for Autosomal dominant striatal neurodegeneration type 1. Last evaluated: 2018-01-13. Review status: criteria provided, single submitter. Criteria: ICSL Variant Classification Criteria 13 December 2019. Collection method: clinical testing. Allele origin: germline.
Comment: This variant was observed in the ICSL laboratory as part of a predisposition screen in an ostensibly healthy population. It had not been previously curated by ICSL or reported in the Human Gene Mutation Database (HGMD: prior to June 1st, 2018), and was therefore a candidate for classification through an automated scoring system. Utilizing variant allele frequency, disease prevalence and penetrance estimates, and inheritance mode, an automated score was calculated to assess if this variant is too frequent to cause the disease. Based on the score and internal cut-off values, a variant classified as benign is not then subjected to further curation. The score for this variant resulted in a classification of benign for this disease.